The following is an entry in ClinVar:

NM_002016.2(FLG):c.1494G>C (p.Glu498Asp)

Genes: CCDST (cervical cancer associated DHX9 suppressive transcript; plus strand), FLG (filaggrin; minus strand). Cytogenetic location: 1q21.3.
Variant type: single nucleotide variant.
Coding change: c.1494G>C on transcript NM_002016.2 (MANE Select); coding-DNA position 1494, G replaced by C.
Protein change: p.Glu498Asp; replaces glutamic acid 498 with aspartic acid.
Molecular consequence: missense variant.
Genome position (GRCh38, 1-based): chr1:152,313,392, C>G on the plus strand (G>C on the coding strand, the complement: FLG is on the minus strand). VCF-style: chr1-152313392-C-G. GRCh37 (hg19) VCF-style: chr1-152285868-C-G.
Other names: short protein forms E498D.
Identifiers: ClinVar variation 1193189 (VCV001193189.7), dbSNP rs13376095, ClinGen allele CA1107610.

ClinVar aggregate classification (germline): Likely benign. Review status: criteria provided, multiple submitters, no conflicts (2 of 4 stars). 5 submissions from 5 submitters: Likely benign (2). 3 of the submissions do not count toward it. Last evaluated 2018-07-14.

Conditions:
FLG-related disorder. Also called: FLG-related condition; FLG-related disorders.

Allele frequency attached by ClinVar (database versions not stated): 1000 Genomes Project 0.00679; 1000 Genomes Project 30x 0.00687; ESP Exome Variant Server 0.00915.
gnomAD v4.1: 2,363 of 1,613,764 alleles (0.15%); highest among the groups gnomAD compares: African/African-American, 2.8%; 38 homozygotes.

Submissions (5):

GeneDx
Classification: Likely benign. Last evaluated: 2018-07-14. Review status: criteria provided, single submitter. Criteria: GeneDx Variant Classification Process June 2021. Collection method: clinical testing. Allele origin: germline. Affected: yes.

Breakthrough Genomics
Classification: Likely benign. Review status: criteria provided, single submitter. Criteria: ACMG Guidelines, 2015. Collection method: not provided. Allele origin: germline. Inheritance: Autosomal dominant inheritance. Affected: yes.

PreventionGenetics, part of Exact Sciences
Classification: Likely benign for FLG-related condition. Last evaluated: 2019-11-14. Review status: no assertion criteria provided. Collection method: clinical testing. Allele origin: germline. Not counted in ClinVar's aggregate classification.
Comment: This variant is classified as likely benign based on ACMG/AMP sequence variant interpretation guidelines (Richards et al. 2015 PMID: 25741868, with internal and published modifications).

Clinical Genetics DNA and cytogenetics Diagnostics Lab, Erasmus MC, Erasmus Medical Center
Classification: Benign. Review status: no assertion criteria provided. Collection method: clinical testing. Allele origin: germline. Affected: yes. Study: VKGL Data-share Consensus. Not counted in ClinVar's aggregate classification.

Laboratory of Diagnostic Genome Analysis, Leiden University Medical Center (LUMC)
Classification: Likely benign. Review status: no assertion criteria provided. Collection method: clinical testing. Allele origin: germline. Affected: yes. Study: VKGL Data-share Consensus. Not counted in ClinVar's aggregate classification.